The following is an entry in ClinVar:

NM_006277.3(ITSN2):c.4321T>C (p.Leu1441=)

Gene: ITSN2 (intersectin 2; minus strand). Cytogenetic location: 2p23.3.
Variant type: single nucleotide variant.
Coding change: c.4321T>C on transcript NM_006277.3 (MANE Select); coding-DNA position 4321, T replaced by C.
Protein change: p.Leu1441=; no amino-acid change (leucine 1441 retained).
Molecular consequence: synonymous variant.
Genome position (GRCh38, 1-based): chr2:24,209,970, A>G on the plus strand (T>C on the coding strand, the complement: ITSN2 is on the minus strand). VCF-style: chr2-24209970-A-G. GRCh37 (hg19) VCF-style: chr2-24432839-A-G.
Other names: c.4279T>C, p.Leu1427= (NM_001348181.2); c.4201T>C, p.Leu1401= (NM_001348182.2); c.4240T>C, p.Leu1414= (NM_019595.4); c.4279T>C (NM_001348181.1).
Identifiers: ClinVar variation 1251753 (VCV001251753.5), dbSNP rs2303296, ClinGen allele CA1550613.

ClinVar aggregate classification (germline): Benign. Review status: criteria provided, multiple submitters, no conflicts (2 of 4 stars). 3 submissions from 3 submitters: Benign (2). 1 of the submissions does not count toward it. Last evaluated 2021-03-17.

Conditions:
ITSN2-related disorder. Also called: ITSN2-related condition.

Allele frequency attached by ClinVar (database versions not stated): 1000 Genomes Project 30x 0.13710; 1000 Genomes Project 0.14117; TOPMed 0.17235; gnomAD 0.17855 and 0.17956; ESP Exome Variant Server 0.18438; ExAC 0.19898; gnomAD exomes 0.19988 and 0.24718.
gnomAD v4.1: 387,596 of 1,613,620 alleles (24%); highest among the groups gnomAD compares: Non-Finnish European, 27%; 50,087 homozygotes.

Submissions (3):

GeneDx
Classification: Benign. Last evaluated: 2021-03-17. Review status: criteria provided, single submitter. Criteria: GeneDx Variant Classification Process June 2021. Collection method: clinical testing. Allele origin: germline. Affected: yes.

Breakthrough Genomics
Classification: Benign. Review status: criteria provided, single submitter. Criteria: ACMG Guidelines, 2015. Collection method: not provided. Allele origin: germline. Inheritance: Unknown mechanism. Affected: yes.

PreventionGenetics, part of Exact Sciences
Classification: Benign for ITSN2-related condition. Last evaluated: 2020-01-31. Review status: no assertion criteria provided. Collection method: clinical testing. Allele origin: germline. Not counted in ClinVar's aggregate classification.
Comment: This variant is classified as benign based on ACMG/AMP sequence variant interpretation guidelines (Richards et al. 2015 PMID: 25741868, with internal and published modifications).